The following continues an entry in ClinVar:

NM_000218.3(KCNQ1):c.1097G>A (p.Arg366Gln)

Gene: KCNQ1. ClinVar aggregate classification (germline): Pathogenic/Likely pathogenic. Pathogenic (16); Likely pathogenic (2).

Submissions 10 to 21 of 21:

GeneDx
Classification: Pathogenic. Last evaluated: 2022-06-17. Review status: criteria provided, single submitter. Criteria: GeneDx Variant Classification Process June 2021. Collection method: clinical testing. Allele origin: germline. Affected: yes.
Comment: Reported in multiple individuals with LQTS and observed to segregate with disease (Splawski et al., 2000; Zareba et al., 2003; Kapplinger et al., 2009; Riuro et al., 2014; Yoshinaga et al.,2014; Jimenez-Jaimez et al., 2015; Kapplinger et al., 2015; Itoh et al., 2016; internal GeneDx data); Not observed at significant frequency in large population cohorts (gnomAD); In silico analysis supports that this missense variant has a deleterious effect on protein structure/function; Functional analysis found that p.(R366Q) resulted in impaired subcellular trafficking of KCNQ1 channels to the plasma membrane (Wilson et al., 2005); This variant is associated with the following publications: (PMID: 32383558, 19934648, 14678125, 24363352, 26669661, 25854863, 24667783, 19716085, 25832545, 28472724, 22581653, 25804018, 29037160, 31737537, 34426522, 34860437, 35588786, 24689698, 15935335, 10973849)

Blueprint Genetics
Classification: Pathogenic for KCNQ1-related disorders. Last evaluated: 2022-06-14. Review status: criteria provided, single submitter. Criteria: ACMG Guidelines, 2015. Collection method: clinical testing. Allele origin: germline. Affected: yes. Observed: 3 variant alleles.

Genetics and Molecular Pathology, SA Pathology
Classification: Pathogenic for Long QT syndrome. Last evaluated: 2022-05-24. Review status: criteria provided, single submitter. Criteria: ACMG Guidelines, 2015. Collection method: clinical testing. Allele origin: germline. Affected: yes.

Institute of Medical Genetics and Applied Genomics, University Hospital Tübingen
Classification: Pathogenic. Last evaluated: 2021-09-15. Review status: criteria provided, single submitter. Criteria: ACMG Guidelines, 2015. Collection method: clinical testing. Allele origin: germline. Inheritance: Autosomal dominant inheritance. Affected: yes.

MVZ Martinsried, Medicover Genetics
Classification: Pathogenic for Long QT syndrome 1. Last evaluated: 2021-06-09. Review status: criteria provided, single submitter. Criteria: ACGS Guidelines, 2020. Collection method: clinical testing. Allele origin: unknown. Affected: yes.

Mayo Clinic Laboratories, Mayo Clinic
Classification: Pathogenic. Last evaluated: 2020-11-06. Review status: criteria provided, single submitter. Criteria: ACMG Guidelines, 2015. Collection method: clinical testing. Allele origin: germline. Observed: 1 variant allele.
Comment: PS3, PS4, PP1_Strong, PM2_Supporting, PM5, PP3, PP4

AiLife Diagnostics
Classification: Likely pathogenic. Last evaluated: 2020-04-24. Review status: criteria provided, single submitter. Criteria: ACMG Guidelines, 2015. Collection method: clinical testing. Allele origin: germline. Affected: yes. Observed: 1 variant allele.

Clinical Genetics Laboratory, Region Ostergotland
Classification: Likely pathogenic for Jervell and Lange-Nielsen syndrome 1. Last evaluated: 2017-10-09. Review status: criteria provided, single submitter. Criteria: ACMG Guidelines, 2015. Collection method: clinical testing. Allele origin: germline. Affected: yes.
Comment: PM2, PP1, PP3, PM5, PP5, PP4

Stanford Center for Inherited Cardiovascular Disease, Stanford University
Classification: Pathogenic. Last evaluated: 2017-04-21. Review status: criteria provided, single submitter. Criteria: ACMG Guidelines, 2015. Collection method: provider interpretation. Allele origin: germline.

Cardiovascular Biomedical Research Unit, Royal Brompton & Harefield NHS Foundation Trust
No classification provided. Condition: Familial long QT syndrome. Review status: no classification provided. Collection method: literature only. Allele origin: germline. Not counted in ClinVar's aggregate classification.
Comment: This variant has been reported as associated with Long QT syndrome in the following publications (PMID:10973849;PMID:14678125;PMID:19716085;PMID:19934648;PMID:15935335). This is a literature report, and does not necessarily reflect the clinical interpretation of the Imperial College / Royal Brompton Cardiovascular Genetics laboratory.

Clinical Genetics, Academic Medical Center
Classification: Pathogenic. Review status: no assertion criteria provided. Collection method: clinical testing. Allele origin: germline. Affected: yes. Study: VKGL Data-share Consensus. Not counted in ClinVar's aggregate classification.

Joint Genome Diagnostic Labs from Nijmegen and Maastricht, Radboudumc and MUMC+
Classification: Pathogenic. Review status: no assertion criteria provided. Collection method: clinical testing. Allele origin: germline. Affected: yes. Study: VKGL Data-share Consensus. Not counted in ClinVar's aggregate classification.

Literature cited by the submitters: PubMed 10973849 (cited by 6 submitters); PubMed 15935335 (cited by 6 submitters); PubMed 19934648 (cited by 6 submitters); PubMed 23861489 (cited by 4 submitters); PubMed 24363352 (cited by Color Diagnostics, LLC DBA Color Health and All of Us Research Program, National Institutes of Health); PubMed 24667783 (cited by Color Diagnostics, LLC DBA Color Health and All of Us Research Program, National Institutes of Health); PubMed 24689698 (cited by 5 submitters); PubMed 25804018 (cited by 5 submitters); PubMed 26669661 (cited by 4 submitters); PubMed 28472724 (cited by Color Diagnostics, LLC DBA Color Health and All of Us Research Program, National Institutes of Health); PubMed 29037160 (cited by 4 submitters); PubMed 32383558 (cited by Color Diagnostics, LLC DBA Color Health and All of Us Research Program, National Institutes of Health); PubMed 32893267 (cited by Color Diagnostics, LLC DBA Color Health and All of Us Research Program, National Institutes of Health); PubMed 34860437 (cited by Color Diagnostics, LLC DBA Color Health and All of Us Research Program, National Institutes of Health); PubMed 14678125 (cited by 3 submitters); PubMed 23158531 (cited by Labcorp Genetics (formerly Invitae), Labcorp and Mayo Clinic Laboratories, Mayo Clinic); PubMed 9024139 (cited by Labcorp Genetics (formerly Invitae), Labcorp); PubMed 15840476 (cited by Labcorp Genetics (formerly Invitae), Labcorp); PubMed 16556865 (cited by Labcorp Genetics (formerly Invitae), Labcorp); PubMed 22949429 (cited by Labcorp Genetics (formerly Invitae), Labcorp); PubMed 19716085 (cited by Mayo Clinic Laboratories, Mayo Clinic and Cardiovascular Biomedical Research Unit, Royal Brompton & Harefield NHS Foundation Trust); PubMed 31737537 (cited by Mayo Clinic Laboratories, Mayo Clinic); PubMed 22581653 (cited by Cardiovascular Biomedical Research Unit, Royal Brompton & Harefield NHS Foundation Trust).